The following is an entry in ClinVar:

ClinVar aggregate classification (germline): Uncertain significance (1 of 4 stars; one submission).

Conditions:
Hermansky-Pudlak syndrome 2 (HPS2). Also called: Platelet defects and oculocutaneous albinism. Identifiers: Orphanet 183678, Orphanet 79430, MedGen C1842362, MONDO:0011997, OMIM 608233.

gnomAD v4.1: 2 of 1,612,636 alleles (0.00012%); highest among the groups gnomAD compares: Non-Finnish European, 0.00017%; no homozygotes.

Submission:

Labcorp Genetics (formerly Invitae), Labcorp
Classification: Uncertain significance for Hermansky-Pudlak syndrome 2. Last evaluated: 2023-06-16. Review status: criteria provided, single submitter. Criteria: Invitae Variant Classification Sherloc (09022015). Collection method: clinical testing. Allele origin: germline.
Comment: This sequence change replaces alanine, which is neutral and non-polar, with proline, which is neutral and non-polar, at codon 88 of the AP3B1 protein (p.Ala88Pro). This variant is present in population databases (no rsID available, gnomAD 0.002%). This variant has not been reported in the literature in individuals affected with AP3B1-related conditions. An algorithm developed to predict the effect of missense changes on protein structure and function (PolyPhen-2) suggests that this variant is likely to be disruptive. In summary, the available evidence is currently insufficient to determine the role of this variant in disease. Therefore, it has been classified as a Variant of Uncertain Significance.

NM_003664.5(AP3B1):c.262G>C (p.Ala88Pro)

Gene: AP3B1 (adaptor related protein complex 3 subunit beta 1; minus strand). Cytogenetic location: 5q14.1.
Variant type: single nucleotide variant.
Coding change: c.262G>C on transcript NM_003664.5 (MANE Select); coding-DNA position 262, G replaced by C.
Protein change: p.Ala88Pro; replaces alanine 88 with proline.
Molecular consequence: missense variant.
Genome position (GRCh38, 1-based): chr5:78,240,879, C>G on the plus strand (G>C on the coding strand, the complement: AP3B1 is on the minus strand). VCF-style: chr5-78240879-C-G. GRCh37 (hg19) VCF-style: chr5-77536703-C-G.
Other names: c.115G>C, p.Ala39Pro (NM_001271769.2); c.262G>C, p.Ala88Pro (NM_001410752.1); short protein forms A88P, A39P.
Identifiers: ClinVar variation 2800808 (VCV002800808.3), dbSNP rs1434777286, ClinGen allele CA360333677.